The following is an entry in ClinVar:

ClinVar aggregate classification (germline): Uncertain significance. Review status: criteria provided, multiple submitters, no conflicts (2 of 4 stars). 3 submissions from 3 submitters: Uncertain significance (2). 1 of the submissions does not count toward it. Last evaluated 2026-02-24.

Conditions:
3-methylcrotonyl-CoA carboxylase 2 deficiency. Also called: METHYLCROTONYLGLYCINURIA, TYPE II; 3 alpha methylcrotonyl-CoA carboxylase 2 deficiency; 3 alpha methylcrotonylglycinuria 2; MCC 2 deficiency; Methylcrotonylglycinuria type 2. Identifiers: Orphanet 6, MedGen C1859499, MONDO:0008862, OMIM 210210.

Allele frequency attached by ClinVar (database versions not stated): gnomAD 0.00001; ExAC 0.00002; gnomAD exomes 0.00002.
gnomAD v4.1: 10 of 1,613,580 alleles (0.00062%); highest among the groups gnomAD compares: East Asian, 0.0045%; no homozygotes.

Submissions (3):

Myriad Genetics, Inc.
Classification: Uncertain significance for 3-methylcrotonyl-CoA carboxylase 2 deficiency. Last evaluated: 2026-02-24. Review status: criteria provided, single submitter. Criteria: Myriad Autosomal Dominant, Autosomal Recessive and X-Linked Classification Criteria (2023). Collection method: clinical testing. Allele origin: unknown.
Comment: NM_022132.4(MCCC2):c.1488G>C(Q496H) is a missense variant classified as a variant of uncertain significance in the context of 3-methylcrotonyl-CoA carboxylase deficiency, MCCC2-related. Q496H has been observed in cases with relevant disease (PMID: 22030835, 33514801, 25356967). Relevant functional assessments of this variant are not available in the literature. Q496H has been observed in referenced population frequency databases. In summary, there is insufficient evidence to classify NM_022132.4(MCCC2):c.1488G>C(Q496H) as pathogenic or benign. Please note: this variant was assessed in the context of healthy population screening.

Labcorp Genetics (formerly Invitae), Labcorp
Classification: Uncertain significance for 3-methylcrotonyl-CoA carboxylase 2 deficiency. Last evaluated: 2021-08-24. Review status: criteria provided, single submitter. Criteria: Invitae Variant Classification Sherloc (09022015). Collection method: clinical testing. Allele origin: germline.
Comment: This sequence change replaces glutamine with histidine at codon 496 of the MCCC2 protein (p.Gln496His). The glutamine residue is moderately conserved and there is a small physicochemical difference between glutamine and histidine. This variant also falls at the last nucleotide of exon 15, which is part of the consensus splice site for this exon. This variant is present in population databases (rs745367639, ExAC 0.03%). This missense change has been observed in individual(s) with methylcrotonylglycinuria (PMID: 22030835). Algorithms developed to predict the effect of missense changes on protein structure and function are either unavailable or do not agree on the potential impact of this missense change (SIFT: "Deleterious"; PolyPhen-2: "Benign"; Align-GVGD: "Class C0"). Variants that disrupt the consensus splice site are a relatively common cause of aberrant splicing (PMID: 17576681, 9536098). Algorithms developed to predict the effect of sequence changes on RNA splicing suggest that this variant may disrupt the consensus splice site. In summary, the available evidence is currently insufficient to determine the role of this variant in disease. Therefore, it has been classified as a Variant of Uncertain Significance.

Natera, Inc.
Classification: Uncertain significance for 3-methylcrotonyl-CoA carboxylase 2 deficiency. Last evaluated: 2020-06-21. Review status: no assertion criteria provided. Collection method: clinical testing. Allele origin: germline. Not counted in ClinVar's aggregate classification.

Literature cited by the submitters: PubMed 22030835 (cited by Myriad Genetics, Inc. and Labcorp Genetics (formerly Invitae), Labcorp); PubMed 25356967 (cited by Myriad Genetics, Inc.); PubMed 33514801 (cited by Myriad Genetics, Inc.); PubMed 17576681 (cited by Labcorp Genetics (formerly Invitae), Labcorp); PubMed 9536098 (cited by Labcorp Genetics (formerly Invitae), Labcorp).

NM_022132.5(MCCC2):c.1488G>C (p.Gln496His)

Gene: MCCC2 (methylcrotonyl-CoA carboxylase subunit 2; plus strand). Cytogenetic location: 5q13.2.
Variant type: single nucleotide variant.
Coding change: c.1488G>C on transcript NM_022132.5 (MANE Select); coding-DNA position 1488, G replaced by C.
Protein change: p.Gln496His; replaces glutamine 496 with histidine.
Molecular consequence: missense variant.
Genome position (GRCh38, 1-based): chr5:71,650,183, G>C. VCF-style: chr5-71650183-G-C. GRCh37 (hg19) VCF-style: chr5-70946010-G-C.
Other names: c.1374G>C, p.Gln458His (NM_001363147.1); short protein forms Q458H, Q496H.
Identifiers: ClinVar variation 1055857 (VCV001055857.14), dbSNP rs745367639, ClinGen allele CA3298161.
Genomic context (GRCh38, chr5:71,650,183, plus strand): 5'-GCAGGCAGCCAATGTGTTGGCCACGATAACAAAGGACCAAAGAGCCCGGGAAGGAAAGCA[G>C]GTCGGTGTCGTTTTCTCTTGTTTCTCTCTGGTTTTGCCTCTCACCATAAACACCCTGGAG-3'
Protein context (NP_071415.1, residues 486-506): TKDQRAREGK[Gln496His]FSSADEAALK